The following is an entry in ClinVar:

NM_018671.5(UNC45A):c.2254G>A (p.Glu752Lys)

Gene: UNC45A (unc-45 myosin chaperone A; plus strand). Cytogenetic location: 15q26.1.
Variant type: single nucleotide variant.
Coding change: c.2254G>A on transcript NM_018671.5 (MANE Select); coding-DNA position 2254, G replaced by A.
Protein change: p.Glu752Lys; replaces glutamic acid 752 with lysine.
Molecular consequence: missense variant.
Genome position (GRCh38, 1-based): chr15:90,950,566, G>A. VCF-style: chr15-90950566-G-A. GRCh37 (hg19) VCF-style: chr15-91493796-G-A.
Other names: c.2209G>A, p.Glu737Lys (NM_001039675.2, NM_001323621.2); c.2254G>A, p.Glu752Lys (NM_001323619.1); c.1819G>A, p.Glu607Lys (NM_001323620.2); c.2254G>A (NM_018671.3); short protein forms E737K, E607K, E752K.
Identifiers: ClinVar variation 1903364 (VCV001903364.7), dbSNP rs200948312, ClinGen allele CA7743222.
Genomic context (GRCh38, chr15:90,950,566, plus strand): 5'-GAGGTGGTCCGGCCCCTCGTCTCCCTGTTGCACCTCAACTGCTCAGGCCTGCAGAACTTC[G>A]AGGCGCTCATGGCCCTAACAAACCTGGCTGGGATCAGCGAGAGGCTCCGGTAAGGTCCCT-3'
Protein context (NP_061141.2, residues 742-762): HLNCSGLQNF[Glu752Lys]ALMALTNLAG

ClinVar aggregate classification (germline): Uncertain significance. Review status: criteria provided, multiple submitters, no conflicts (2 of 4 stars). 2 submissions from 2 submitters: Uncertain significance (2). Last evaluated 2026-08-13.

Conditions:
Inborn genetic diseases. Identifiers: MedGen C0950123, MeSH D030342.

Allele frequency attached by ClinVar (database versions not stated): TOPMed 0.00001; gnomAD exomes 0.00001; 1000 Genomes Project 30x 0.00031; 1000 Genomes Project 0.00040; gnomAD 0.00001; ExAC 0.00002.
gnomAD v4.1: 15 of 1,614,168 alleles (0.00093%); highest among the groups gnomAD compares: South Asian, 0.0077%; no homozygotes.

Submissions (2):

Ambry Genetics
Classification: Uncertain significance for Inborn genetic diseases. Last evaluated: 2026-08-13. Review status: criteria provided, single submitter. Criteria: Ambry Variant Classification Scheme 2023. Collection method: clinical testing. Allele origin: germline.
Comment: The c.2254G>A (p.E752K) alteration is located in exon 17 (coding exon 17) of the UNC45A gene. This alteration results from a G to A substitution at nucleotide position 2254, causing the glutamic acid (E) at amino acid position 752 to be replaced by a lysine (K). Based on data from gnomAD, the A allele has an overall frequency of 0.002% (6/251252) total alleles studied. The highest observed frequency was 0.016% (1/6134) of Other alleles. Based on insufficient or conflicting evidence, the clinical significance of this alteration remains unclear.

Labcorp Genetics (formerly Invitae), Labcorp
Classification: Uncertain significance. Last evaluated: 2022-07-01. Review status: criteria provided, single submitter. Criteria: Invitae Variant Classification Sherloc (09022015). Collection method: clinical testing. Allele origin: germline.
Comment: In summary, the available evidence is currently insufficient to determine the role of this variant in disease. Therefore, it has been classified as a Variant of Uncertain Significance. Algorithms developed to predict the effect of missense changes on protein structure and function are either unavailable or do not agree on the potential impact of this missense change (SIFT: "Not Available"; PolyPhen-2: "Probably Damaging"; Align-GVGD: "Not Available"). This variant has not been reported in the literature in individuals affected with UNC45A-related conditions. This variant is present in population databases (rs200948312, gnomAD 0.006%). This sequence change replaces glutamic acid, which is acidic and polar, with lysine, which is basic and polar, at codon 752 of the UNC45A protein (p.Glu752Lys).